The following is an entry in ClinVar:

NM_000504.4(F10):c.958G>C (p.Asp320His)

Genes: F10 (coagulation factor X; plus strand), F10-AS2 (F10 antisense RNA 2; minus strand). Cytogenetic location: 13q34.
Variant type: single nucleotide variant.
Coding change: c.958G>C on transcript NM_000504.4 (MANE Select); coding-DNA position 958, G replaced by C.
Protein change: p.Asp320His; replaces aspartic acid 320 with histidine.
Molecular consequence: missense variant.
Genome position (GRCh38, 1-based): chr13:113,149,008, G>C. VCF-style: chr13-113149008-G-C. GRCh37 (hg19) VCF-style: chr13-113803322-G-C.
Other names: c.826G>C, p.Asp276His (NM_001312674.2); c.948G>C, p.Met316Ile (NM_001312675.2); short protein forms D320H, D276H, M316I.
Identifiers: ClinVar variation 4999303 (VCV004999303.1).

ClinVar aggregate classification (germline): Uncertain significance (1 of 4 stars; one submission).

Conditions:
F10-related disorder. Also called: F10-related condition.

gnomAD v4.1: 7 of 1,613,452 alleles (0.00043%); highest among the groups gnomAD compares: Non-Finnish European, 0.00059%; no homozygotes.

Submission:

PreventionGenetics, part of Exact Sciences
Classification: Uncertain significance for F10-related condition. Last evaluated: 2025-11-02. Review status: criteria provided, single submitter. Criteria: ACMG Guidelines, 2015. Collection method: clinical testing. Allele origin: germline.
Comment: The F10 c.958G>C variant is predicted to result in the amino acid substitution p.Asp320His. To our knowledge, this variant has not been reported in the literature. This variant is reported in 0.0035% of alleles in individuals of European (Non-Finnish) descent in gnomAD. At this time, the clinical significance of this variant is uncertain due to the absence of conclusive functional and genetic evidence.